The following is an entry in ClinVar:

NM_024685.4(BBS10):c.1483A>C (p.Ile495Leu)

Gene: BBS10 (Bardet-Biedl syndrome 10; minus strand). Cytogenetic location: 12q21.2.
Variant type: single nucleotide variant.
Coding change: c.1483A>C on transcript NM_024685.4 (MANE Select); coding-DNA position 1483, A replaced by C.
Protein change: p.Ile495Leu; replaces isoleucine 495 with leucine.
Molecular consequence: missense variant.
Genome position (GRCh38, 1-based): chr12:76,346,502, T>G on the plus strand (A>C on the coding strand, the complement: BBS10 is on the minus strand). VCF-style: chr12-76346502-T-G. GRCh37 (hg19) VCF-style: chr12-76740282-T-G.
Other names: short protein forms I495L.
Identifiers: ClinVar variation 2165387 (VCV002165387.4), dbSNP rs1199528511, ClinGen allele CA385811071.

ClinVar aggregate classification (germline): Uncertain significance (1 of 4 stars; one submission).

Conditions:
Bardet-Biedl syndrome (BBS). Identifiers: Orphanet 110, MedGen C0752166, MONDO:0015229.

Allele frequency attached by ClinVar (database versions not stated): gnomAD exomes below 0.00001; gnomAD 0.00001; TOPMed 0.00001.

Submission:

Labcorp Genetics (formerly Invitae), Labcorp
Classification: Uncertain significance for Bardet-Biedl syndrome. Last evaluated: 2023-12-22. Review status: criteria provided, single submitter. Criteria: Invitae Variant Classification Sherloc (09022015). Collection method: clinical testing. Allele origin: germline.
Comment: This sequence change replaces isoleucine, which is neutral and non-polar, with leucine, which is neutral and non-polar, at codon 495 of the BBS10 protein (p.Ile495Leu). This variant is not present in population databases (gnomAD no frequency). This variant has not been reported in the literature in individuals affected with BBS10-related conditions. ClinVar contains an entry for this variant (Variation ID: 2165387). Advanced modeling of protein sequence and biophysical properties (such as structural, functional, and spatial information, amino acid conservation, physicochemical variation, residue mobility, and thermodynamic stability) performed at Invitae indicates that this missense variant is not expected to disrupt BBS10 protein function with a negative predictive value of 80%. In summary, the available evidence is currently insufficient to determine the role of this variant in disease. Therefore, it has been classified as a Variant of Uncertain Significance.